The following is an entry in ClinVar:

NM_001204.7(BMPR2):c.354T>G (p.Cys118Trp)

Gene: BMPR2 (bone morphogenetic protein receptor type 2; plus strand). Cytogenetic location: 2q33.1.
Variant type: single nucleotide variant.
Coding change: c.354T>G on transcript NM_001204.7 (MANE Select); coding-DNA position 354, T replaced by G.
Protein change: p.Cys118Trp; replaces cysteine 118 with tryptophan.
Molecular consequence: missense variant.
Genome position (GRCh38, 1-based): chr2:202,467,625, T>G. VCF-style: chr2-202467625-T-G. GRCh37 (hg19) VCF-style: chr2-203332348-T-G.
Other names: NM_001204.7(BMPR2):c.354T>G; c.354T>G, p.C118W (LRG_712t1); short protein forms C118W.
Identifiers: ClinVar variation 8799 (VCV000008799.11), dbSNP rs137852743, ClinGen allele CA278075.

ClinVar aggregate classification (germline): Pathogenic. Review status: reviewed by expert panel (3 of 4 stars). 5 submissions from 5 submitters: Pathogenic (1). 4 of the submissions do not count toward it. Last evaluated 2024-05-03.

Conditions:
Primary pulmonary hypertension. Also called: Idiopathic pulmonary hypertension. Identifiers: MedGen C0152171.
Pulmonary arterial hypertension. Identifiers: Orphanet 182090, MedGen C2973725, MeSH D000081029, MONDO:0015924, HP:0002092.
Idiopathic and/or familial pulmonary arterial hypertension. Identifiers: Orphanet 422, MedGen C5679820, MONDO:0008347.
Pulmonary hypertension, primary, 1 (PPH1). Also called: Pulmonary hypertension, familial primary, 1, with or without HHT. Identifiers: Orphanet 422, MedGen C4552070, MONDO:0024533, OMIM 178600.

Allele frequency attached by ClinVar (database versions not stated): gnomAD exomes below 0.00001.

Submissions (5):

Clingen Pulmonary Hypertension Variant Curation Expert Panel, ClinGen
Classification: Pathogenic for Pulmonary arterial hypertension. Last evaluated: 2024-05-03. Review status: reviewed by expert panel. Criteria: ClinGen PH ACMG Specifications BMPR2 V1.1.0. Collection method: curation. Allele origin: germline. Inheritance: Autosomal dominant inheritance.
Comment: The BMPR2 c.354T>C variant is a missense variant predicted to cause a cysteine to tryptophan substitution at amino acid position 118 (p.Cys118Trp). The variant is absent from gnomAD exomes v.2.1.1 controls and gnomAD genomes v3.0 (PM2_supporting). More than 4 unrelated pulmonary arterial hypertension probands were identified with this variant (PMID: 10973254, PMID: 32255665, PMID: 33007923, and PMID: 31727138) (PS4). In one multigenerational family, the variant segregated with PAH in at least 3 family members (PMID: 10973254) (PP1). BMPR2 p.Cys118Trp is located within the conserved extracellular domain and is a Cys residue critical for protein function (PMID: 9886286, PMID: 12221115, PMID: 12045205, PMID: 16429395) (PM1_strong). Several well-controlled in vitro functional assays provided variant-specific evidence of protein loss of function (PMID: 25688877, PMID: 12221115, and PMID: 32255665) (PS3). In silico prediction (REVEL =0.9279) is consistent with a pathogenic effect for this variant (PP3). Additionally, another variant in the same codon, BMPR2 (NM_001204.7):c.353G>A:(p.Cys118Tyr), was classified as likely pathogenic (PM5_supporting). In summary, the variant meets the criteria to be classified as pathogenic for pulmonary arterial hypertension based on the ACMG/AMP criteria applied, as specified by the ClinGen Pulmonary Hypertension VCEP: PS3, PS4, PM1_strong, PM2_supporting, PM5_supporting, PP3, PP1 (VCEP specification version v 1.1, 1/18/2024).

Labcorp Genetics (formerly Invitae), Labcorp
Classification: Pathogenic for Primary pulmonary hypertension. Last evaluated: 2024-09-27. Review status: criteria provided, single submitter. Criteria: Invitae Variant Classification Sherloc (09022015). Collection method: clinical testing. Allele origin: germline. Not counted in ClinVar's aggregate classification.
Comment: This sequence change replaces cysteine, which is neutral and slightly polar, with tryptophan, which is neutral and slightly polar, at codon 118 of the BMPR2 protein (p.Cys118Trp). This variant is not present in population databases (gnomAD no frequency). This missense change has been observed in individuals with pulmonary hypertension (PMID: 10973254, 31727138). It has also been observed to segregate with disease in related individuals. ClinVar contains an entry for this variant (Variation ID: 8799). Invitae Evidence Modeling incorporating data from in vitro experimental studies (internal data) indicates that this missense variant is expected to disrupt BMPR2 function with a positive predictive value of 95%. Experimental studies have shown that this missense change affects BMPR2 function (PMID: 12045205, 25688877). For these reasons, this variant has been classified as Pathogenic.

OMIM
Classification: Pathogenic for PULMONARY HYPERTENSION, PRIMARY, 1. Last evaluated: 2000-09-01. Review status: no assertion criteria provided. Collection method: literature only. Allele origin: germline. Not counted in ClinVar's aggregate classification.

Rare Disease Genomics Group, St George's University of London
Classification: Pathogenic for Primary pulmonary hypertension. Review status: no assertion criteria provided. Collection method: literature only. Allele origin: germline. Affected: yes. Not counted in ClinVar's aggregate classification.

Wendy Chung Laboratory, Boston Children's Hospital
No classification provided. Condition: Idiopathic and/or familial pulmonary arterial hypertension. Review status: no classification provided. Collection method: literature only. Allele origin: germline. Affected: yes. Observed: 5 variant alleles. Not counted in ClinVar's aggregate classification.

Literature cited by the submitters: PubMed 10973254 (cited by 3 submitters); PubMed 31727138 (cited by Labcorp Genetics (formerly Invitae), Labcorp and Wendy Chung Laboratory, Boston Children's Hospital); PubMed 12045205 (cited by Labcorp Genetics (formerly Invitae), Labcorp); PubMed 25688877 (cited by Labcorp Genetics (formerly Invitae), Labcorp); PubMed 26387786 (cited by Rare Disease Genomics Group, St George's University of London).